The following is an entry in ClinVar:

ClinVar aggregate classification (germline): Likely pathogenic. Review status: criteria provided, multiple submitters, no conflicts (2 of 4 stars). 5 submissions from 4 submitters: Likely pathogenic (2). 3 of the submissions do not count toward it. Last evaluated 2025-09-02.

Conditions:
Congenital myopathy 22A, classic (CMYO22A). Identifiers: MedGen C5830453, MONDO:0957247, OMIM 620351.
Congenital myasthenic syndrome (CMS). Also called: Congenital Myasthenic Syndromes. Identifiers: Orphanet 590, MedGen C0751882, MeSH D020294, MONDO:0018940.
Congenital myasthenic syndrome 16. Identifiers: Orphanet 590, MedGen C3280112, MONDO:0013620, OMIM 614198.
Hyperkalemic periodic paralysis. Also called: Familial hyperkalemic periodic paralysis; Gamstorp disease. Identifiers: Orphanet 682, MedGen C0238357, MONDO:0008224, OMIM 170500, HP:0007215.

Allele frequency attached by ClinVar (database versions not stated): gnomAD exomes 0.00002 and 0.00001; gnomAD 0.00001; TOPMed below 0.00001.
gnomAD v4.1: 14 of 1,610,160 alleles (0.00087%); highest among the groups gnomAD compares: East Asian, 0.0045%; no homozygotes.

Submissions (5):

Labcorp Genetics (formerly Invitae), Labcorp
Classification: Likely pathogenic for Hyperkalemic periodic paralysis. Last evaluated: 2025-09-02. Review status: criteria provided, single submitter. Criteria: Invitae Variant Classification Sherloc (09022015). Collection method: clinical testing. Allele origin: germline.
Comment: This sequence change replaces arginine, which is basic and polar, with tryptophan, which is neutral and slightly polar, at codon 1454 of the SCN4A protein (p.Arg1454Trp). This variant is present in population databases (no rsID available, gnomAD 0.01%). This missense change has been observed in individuals with congenital myasthenic syndrome (PMID: 26659129, 36090556). ClinVar contains an entry for this variant (Variation ID: 243042). Invitae Evidence Modeling of protein sequence and biophysical properties (such as structural, functional, and spatial information, amino acid conservation, physicochemical variation, residue mobility, and thermodynamic stability) indicates that this missense variant is expected to disrupt SCN4A protein function with a positive predictive value of 95%. Experimental studies have shown that this missense change affects SCN4A function (PMID: 26659129, 28024841). In summary, the currently available evidence indicates that the variant is pathogenic, but additional data are needed to prove that conclusively. Therefore, this variant has been classified as Likely Pathogenic.

Experimental Epileptology, AG Lerche, Hertie Institute for Clinical Brain Research
Classification: Likely pathogenic for Congenital myasthenic syndrome 16. Last evaluated: 2022-05-07. Review status: criteria provided, single submitter. Criteria: ACMG Guidelines, 2015. Collection method: clinical testing. Allele origin: germline. Inheritance: Autosomal recessive inheritance. Affected: yes. Observed: 1 compound heterozygote.
Comment: The variant SCN4A:p.(R1454W) has been identified in compound heterozyous state with a previously unreported variant SCN4A:p.(N1205K). It has an extremely low frequency in gnomAD r2.1 (MAF = 0.00001609 and no homozygotes). It is located in the voltage sensor domain (S4) which is a mutational hotspot and multiple lines of computational evidence support a deleterious effect (CADD: 25.9, GERP++: 2.7, PPh2: 0.99, SIFT: 0). It was first reported in homozygous state in an individual who suffered from muscle weakness consistent with a diagnosis of autosomal recessive Congenital Myasthenic Syndrome 16 (MIM: #614198). Functional characterization in a heterologous expression system showed a net loss of funtion with enhanced fast and slow inactivation with slow recovery (PMID: 26659129). It was therefore classified as likely pathogenic (ACMG/AMP criteria: PS3, PM1, PM2, PP3).

OMIM
Classification: Pathogenic for MYASTHENIC SYNDROME, CONGENITAL, 16. Last evaluated: 2024-07-16. Review status: no assertion criteria provided. Collection method: literature only. Allele origin: germline. Not counted in ClinVar's aggregate classification.

OMIM
Classification: Pathogenic for CONGENITAL MYOPATHY 22A, CLASSIC. Last evaluated: 2024-07-16. Review status: no assertion criteria provided. Collection method: literature only. Allele origin: germline. Not counted in ClinVar's aggregate classification.

GeneReviews
No classification provided. Condition: Congenital myasthenic syndrome. Review status: no classification provided. Collection method: literature only. Allele origin: germline. Affected: yes. Not counted in ClinVar's aggregate classification.

Literature cited by the submitters: PubMed 26659129 (cited by 4 submitters); PubMed 36090556 (cited by Labcorp Genetics (formerly Invitae), Labcorp and OMIM); PubMed 28024841 (cited by Labcorp Genetics (formerly Invitae), Labcorp); NCBI Bookshelf NBK1168 (cited by GeneReviews).

NM_000334.4(SCN4A):c.4360C>T (p.Arg1454Trp)

Genes: SCN4A (sodium voltage-gated channel alpha subunit 4; minus strand), GH-LCR (growth hormone locus control region; plus strand). Cytogenetic location: 17q23.3.
Variant type: single nucleotide variant.
Coding change: c.4360C>T on transcript NM_000334.4 (MANE Select); coding-DNA position 4360, C replaced by T.
Protein change: p.Arg1454Trp; replaces arginine 1454 with tryptophan.
Molecular consequence: missense variant.
Genome position (GRCh38, 1-based): chr17:63,941,922, G>A on the plus strand (C>T on the coding strand, the complement: SCN4A is on the minus strand). VCF-style: chr17-63941922-G-A. GRCh37 (hg19) VCF-style: chr17-62019282-G-A.
Other names: short protein forms R1454W.
Identifiers: ClinVar variation 243042 (VCV000243042.41), dbSNP rs879253789, ClinGen allele CA10584065.
Genomic context (GRCh38, chr17:63,941,922, plus strand): 5'-CGAACAGCAGCGTCCGGATGCCCTTGGCCCCGCGGATCAGCCGCAGGACACGCCCAATCC[G>A]CGCCAGGCGGATCACACGGAACAGCGTGGGTGACACGAAGTACTTCTGGATCAGGTCAGA-3'
Protein context (NP_000325.4, residues 1444-1464): PTLFRVIRLA[Arg1454Trp]IGRVLRLIRG